The following is an entry in ClinVar:

ClinVar aggregate classification (germline): Pathogenic. Review status: criteria provided, single submitter (1 of 4 stars). 3 submissions from 3 submitters: Pathogenic (1). 2 of the submissions do not count toward it. Last evaluated 2025-10-21.

Conditions:
Renal tubulopathies.
Amelogenesis imperfecta hypomaturation type 2A3. Also called: Amelogenesis imperfecta, type IIA3. Identifiers: Orphanet 88661, MedGen C2750771, MONDO:0013181, OMIM 613211. Disease mechanism: loss of function.

Submissions (3):

Genetics Laboratory, Great Ormond Street Hospital NHS Foundation Trust, North Thames Genomic Laboratory Hub
Classification: Pathogenic for Renal tubulopathies. Last evaluated: 2025-10-21. Review status: criteria provided, single submitter. Criteria: ACGS Best Practice Guidelines for Variant Classification in Rare Disease 2024 v1.2. Collection method: clinical testing. Allele origin: germline. Affected: yes.
Comment: PM2_moderate, PVS1_very-strong, PM3_moderate

Department of Genetics, Sultan Qaboos University Hospital
Classification: Pathogenic for Amelogenesis imperfecta hypomaturation type 2A3. Last evaluated: 2017-12-30. Review status: no assertion criteria provided. Collection method: curation. Allele origin: unknown. Affected: yes. Not counted in ClinVar's aggregate classification.

OMIM
Classification: Pathogenic for AMELOGENESIS IMPERFECTA, HYPOMATURATION TYPE, IIA3. Last evaluated: 2009-11-01. Review status: no assertion criteria provided. Collection method: literature only. Allele origin: germline. Not counted in ClinVar's aggregate classification.

Literature cited by the submitters: PubMed 19853237 (cited by Department of Genetics, Sultan Qaboos University Hospital and OMIM).

NM_182758.4(WDR72):c.2857del (p.Ser953fs)

Gene: WDR72 (WD repeat domain 72; minus strand). Cytogenetic location: 15q21.3.
Variant type: Deletion.
Coding change: c.2857del on transcript NM_182758.4 (MANE Select); coding-DNA position 2857, one base deleted (A; older notation c.2857delA).
Protein change: p.Ser953fs; shifts the reading frame from serine 953.
Molecular consequence: frameshift variant. On other transcripts: non-coding transcript variant (1).
Genome position (GRCh38, 1-based): chr15:53,613,681, T deleted on the plus strand (A on the coding strand, the reverse complement: WDR72 is on the minus strand). VCF-style (leftmost placement, unchanged base first): chr15-53613680-CT-C. GRCh37 (hg19) VCF-style: chr15-53905877-CT-C.
Other names: short protein forms S953fs.
Identifiers: ClinVar variation 233 (VCV000000233.3), dbSNP rs606231351, ClinGen allele CA114067.
Genomic context (GRCh38, chr15:53,613,680, plus strand): 5'-ACAGAAAAAAAAAATCAGATCATATCTGTGCCAGTAACTCTCTTACCATTTCGTAAGCAA[CT>C]GTAGAAGCTTGACATATTTAAAATGTCATTCCCAGCACCTCTCATCTTATTATGTATACT-3'